The following is an entry in ClinVar:

NM_000321.3(RB1):c.1538C>T (p.Ser513Phe)

Gene: RB1 (RB transcriptional corepressor 1; plus strand). Cytogenetic location: 13q14.2.
Variant type: single nucleotide variant.
Coding change: c.1538C>T on transcript NM_000321.3 (MANE Select); coding-DNA position 1538, C replaced by T.
Protein change: p.Ser513Phe; replaces serine 513 with phenylalanine.
Molecular consequence: missense variant.
Genome position (GRCh38, 1-based): chr13:48,381,286, C>T. VCF-style: chr13-48381286-C-T. GRCh37 (hg19) VCF-style: chr13-48955422-C-T.
Other names: c.1538C>T, p.Ser513Phe (NM_001407165.1, NM_001407166.1); short protein forms S513F.
Identifiers: ClinVar variation 2142850 (VCV002142850.4), dbSNP rs1948533425, ClinGen allele CA388163418.

ClinVar aggregate classification (germline): Uncertain significance (1 of 4 stars; one submission).

Conditions:
Retinoblastoma (RB1). Also called: RETINOBLASTOMA, SOMATIC. Identifiers: Orphanet 790, MedGen C0035335, MeSH D012175, MONDO:0008380, OMIM 180200, HP:0009919. Disease mechanism: loss of function. Inheritance: Both sporadic and heritable forms are tested..

Submission:

Labcorp Genetics (formerly Invitae), Labcorp
Classification: Uncertain significance for Retinoblastoma. Last evaluated: 2025-09-13. Review status: criteria provided, single submitter. Criteria: Invitae Variant Classification Sherloc (09022015). Collection method: clinical testing. Allele origin: germline.
Comment: This sequence change replaces serine, which is neutral and polar, with phenylalanine, which is neutral and non-polar, at codon 513 of the RB1 protein (p.Ser513Phe). This variant is not present in population databases (gnomAD no frequency). This variant has not been reported in the literature in individuals affected with RB1-related conditions. ClinVar contains an entry for this variant (Variation ID: 2142850). Invitae Evidence Modeling of protein sequence and biophysical properties (such as structural, functional, and spatial information, amino acid conservation, physicochemical variation, residue mobility, and thermodynamic stability) indicates that this missense variant is expected to disrupt RB1 protein function with a positive predictive value of 80%. In summary, the available evidence is currently insufficient to determine the role of this variant in disease. Therefore, it has been classified as a Variant of Uncertain Significance.